The following is an entry in ClinVar:

ClinVar aggregate classification (germline): Uncertain significance (1 of 4 stars; one submission).

gnomAD v4.1: 4 of 1,613,978 alleles (0.00025%); highest among the groups gnomAD compares: African/African-American, 0.0013%; no homozygotes.

Submission:

Women's Health and Genetics/Laboratory Corporation of America, LabCorp
Classification: Uncertain significance. Last evaluated: 2026-01-06. Review status: criteria provided, single submitter. Criteria: LabCorp Variant Classification Summary - May 2015. Collection method: clinical testing. Allele origin: germline.
Comment: Variant summary: COL12A1 c.1277A>T (p.Lys426Ile) results in a non-conservative amino acid change in the encoded protein sequence. Algorithms developed to predict the effect of missense changes on protein structure and function all suggest that this variant is likely to be disruptive. The frequency data for this variant in gnomAD is considered unreliable, as metrics indicate poor data quality at this position. To our knowledge, no occurrence of c.1277A>T in individuals affected with COL12A1-related conditions and no experimental evidence demonstrating its impact on protein function have been reported. No submitters have cited clinical-significance assessments for this variant to ClinVar. Based on the evidence outlined above, the variant was classified as uncertain significance.

NM_004370.6(COL12A1):c.1277A>T (p.Lys426Ile)

Gene: COL12A1 (collagen type XII alpha 1 chain; minus strand). Cytogenetic location: 6q13.
Variant type: single nucleotide variant.
Coding change: c.1277A>T on transcript NM_004370.6 (MANE Select); coding-DNA position 1277, A replaced by T.
Protein change: p.Lys426Ile; replaces lysine 426 with isoleucine.
Molecular consequence: missense variant. On other transcripts: intron variant (2).
Genome position (GRCh38, 1-based): chr6:75,183,865, T>A on the plus strand (A>T on the coding strand, the complement: COL12A1 is on the minus strand). VCF-style: chr6-75183865-T-A. GRCh37 (hg19) VCF-style: chr6-75893581-T-A.
Other names: c.1277A>T, p.Lys426Ile (NM_001424113.1, NM_001424114.1, NM_001424115.1); c.73+18855A>T (NM_001424116.1, NM_080645.3); short protein forms K426I.
Identifiers: ClinVar variation 4689629 (VCV004689629.1).
Genomic context (GRCh38, chr6:75,183,865, plus strand): 5'-AAACAGATCTTCACATATTCCAAATACAATGATGCACACATTGACTTACCCACTTGAACT[T>A]TCATTGGCTGAGTCTTCTCCATTATTGAAATGGGTTCACTGGATGTCATTCCCTTCATGG-3'
Protein context (NP_004361.3, residues 416-436): ISIMEKTQPM[Lys426Ile]VQVECSRGVD